The following is an entry in ClinVar:

NM_005751.5(AKAP9):c.6402G>C (p.Gln2134His)

Gene: AKAP9 (A-kinase anchoring protein 9; plus strand). Cytogenetic location: 7q21.2.
Variant type: single nucleotide variant.
Coding change: c.6402G>C on transcript NM_005751.5 (MANE Select); coding-DNA position 6402, G replaced by C.
Protein change: p.Gln2134His; replaces glutamine 2134 with histidine.
Molecular consequence: missense variant.
Genome position (GRCh38, 1-based): chr7:92,070,101, G>C. VCF-style: chr7-92070101-G-C. GRCh37 (hg19) VCF-style: chr7-91699415-G-C.
Other names: c.1047G>C, p.Gln349His (NM_001379277.1); c.6402G>C, p.Gln2134His (NM_147185.3); short protein forms Q2134H, Q349H.
Identifiers: ClinVar variation 4723527 (VCV004723527.1).

ClinVar aggregate classification (germline): Uncertain significance (1 of 4 stars; one submission).

Conditions:
Long QT syndrome (LQTS). Identifiers: MedGen C0023976, MeSH D008133, MONDO:0002442. Disease mechanism: loss of function. Inheritance: Various modes of inheritance.

Submission:

Labcorp Genetics (formerly Invitae), Labcorp
Classification: Uncertain significance for Long QT syndrome. Last evaluated: 2025-08-25. Review status: criteria provided, single submitter. Criteria: Invitae Variant Classification Sherloc (09022015). Collection method: clinical testing. Allele origin: germline.
Comment: This sequence change replaces glutamine, which is neutral and polar, with histidine, which is basic and polar, at codon 2134 of the AKAP9 protein (p.Gln2134His). This variant is not present in population databases (gnomAD no frequency). This variant has not been reported in the literature in individuals affected with AKAP9-related conditions. An algorithm developed to predict the effect of missense changes on protein structure and function (PolyPhen-2) suggests that this variant is likely to be disruptive. In summary, the available evidence is currently insufficient to determine the role of this variant in disease. Therefore, it has been classified as a Variant of Uncertain Significance.